The following is an entry in ClinVar:

ClinVar aggregate classification (germline): Uncertain significance (1 of 4 stars; one submission).

Allele frequency attached by ClinVar (database versions not stated): gnomAD 0.00001.
gnomAD v4.1: 1 of 1,609,014 alleles (0.000062%); highest among the groups gnomAD compares: Non-Finnish European, 0.000085%; no homozygotes.

Submission:

Labcorp Genetics (formerly Invitae), Labcorp
Classification: Uncertain significance. Last evaluated: 2025-03-17. Review status: criteria provided, single submitter. Criteria: Invitae Variant Classification Sherloc (09022015). Collection method: clinical testing. Allele origin: germline.
Comment: This sequence change replaces alanine, which is neutral and non-polar, with threonine, which is neutral and polar, at codon 154 of the POLR1A protein (p.Ala154Thr). This variant is not present in population databases (gnomAD no frequency). This variant has not been reported in the literature in individuals affected with POLR1A-related conditions. ClinVar contains an entry for this variant (Variation ID: 1719053). Invitae Evidence Modeling of protein sequence and biophysical properties (such as structural, functional, and spatial information, amino acid conservation, physicochemical variation, residue mobility, and thermodynamic stability) indicates that this missense variant is not expected to disrupt POLR1A protein function with a negative predictive value of 80%. In summary, the available evidence is currently insufficient to determine the role of this variant in disease. Therefore, it has been classified as a Variant of Uncertain Significance.

NM_015425.6(POLR1A):c.460G>A (p.Ala154Thr)

Gene: POLR1A (RNA polymerase I subunit A; minus strand). Cytogenetic location: 2p11.2.
Variant type: single nucleotide variant.
Coding change: c.460G>A on transcript NM_015425.6 (MANE Select); coding-DNA position 460, G replaced by A.
Protein change: p.Ala154Thr; replaces alanine 154 with threonine.
Molecular consequence: missense variant.
Genome position (GRCh38, 1-based): chr2:86,089,902, C>T on the plus strand (G>A on the coding strand, the complement: POLR1A is on the minus strand). VCF-style: chr2-86089902-C-T. GRCh37 (hg19) VCF-style: chr2-86317025-C-T.
Other names: short protein forms A154T.
Identifiers: ClinVar variation 1719053 (VCV001719053.5), dbSNP rs2104429058, ClinGen allele CA347556448.
Genomic context (GRCh38, chr2:86,089,902, plus strand): 5'-GGAGGTTGTTCTGCACAATTTCAGTTGTGTATTGTTCTAATTCCTCCCGAATTTCAGAGG[C>T]AGAGGGATCGGGATTTTCTTCCAGAAACTGGAAAACAAAGAGGAAAACTCCATTATCACA-3'
Protein context (NP_056240.2, residues 144-164): RFLEENPDPS[Ala154Thr]SEIREELEQY